The following is an entry in ClinVar:

ClinVar aggregate classification (germline): Uncertain significance. Review status: criteria provided, multiple submitters, no conflicts (2 of 4 stars). 2 submissions from 2 submitters: Uncertain significance (2). Last evaluated 2025-11-10.

Conditions:
Long QT syndrome (LQTS). Identifiers: MedGen C0023976, MeSH D008133, MONDO:0002442. Disease mechanism: loss of function. Inheritance: Various modes of inheritance.

gnomAD v4.1: 5 of 1,608,460 alleles (0.00031%); highest among the groups gnomAD compares: Non-Finnish European, 0.00034%; no homozygotes.

Submissions (2):

Labcorp Genetics (formerly Invitae), Labcorp
Classification: Uncertain significance for Long QT syndrome. Last evaluated: 2025-11-10. Review status: criteria provided, single submitter. Criteria: Invitae Variant Classification Sherloc (09022015). Collection method: clinical testing. Allele origin: germline.
Comment: This sequence change replaces aspartic acid, which is acidic and polar, with asparagine, which is neutral and polar, at codon 833 of the CACNA1C protein (p.Asp833Asn). This variant is not present in population databases (gnomAD no frequency). This variant has not been reported in the literature in individuals affected with CACNA1C-related conditions. Invitae Evidence Modeling of protein sequence and biophysical properties (such as structural, functional, and spatial information, amino acid conservation, physicochemical variation, residue mobility, and thermodynamic stability) indicates that this missense variant is not expected to disrupt CACNA1C protein function with a negative predictive value of 95%. In summary, the available evidence is currently insufficient to determine the role of this variant in disease. Therefore, it has been classified as a Variant of Uncertain Significance.

Blueprint Genetics
Classification: Uncertain significance. Last evaluated: 2023-09-08. Review status: criteria provided, single submitter. Criteria: ACMG Guidelines, 2015. Collection method: clinical testing. Allele origin: germline.

NM_000719.7(CACNA1C):c.2497G>A (p.Asp833Asn)

Gene: CACNA1C (calcium voltage-gated channel subunit alpha1 C; plus strand). Cytogenetic location: 12p13.33.
Variant type: single nucleotide variant.
Coding change: c.2497G>A on transcript NM_000719.7 (MANE Select); coding-DNA position 2497, G replaced by A.
Protein change: p.Asp833Asn; replaces aspartic acid 833 with asparagine.
Molecular consequence: missense variant.
Genome position (GRCh38, 1-based): chr12:2,585,871, G>A. VCF-style: chr12-2585871-G-A. GRCh37 (hg19) VCF-style: chr12-2695037-G-A.
Other names: c.2497G>A, p.Asp833Asn (NM_001129827.2, NM_001129829.2, NM_001129830.3 and 18 more transcripts); c.2488G>A, p.Asp830Asn (NM_001129844.2); short protein forms D833N, D830N.
Identifiers: ClinVar variation 4705164 (VCV004705164.2).